The following is an entry in ClinVar:

NM_015148.4(PASK):c.1794G>A (p.Lys598=)

Gene: PASK (PAS domain containing serine/threonine kinase; minus strand). Cytogenetic location: 2q37.3.
Variant type: single nucleotide variant.
Coding change: c.1794G>A on transcript NM_015148.4 (MANE Select); coding-DNA position 1794, G replaced by A.
Protein change: p.Lys598=; no amino-acid change (lysine 598 retained).
Molecular consequence: synonymous variant.
Genome position (GRCh38, 1-based): chr2:241,127,121, C>T on the plus strand (G>A on the coding strand, the complement: PASK is on the minus strand). VCF-style: chr2-241127121-C-T. GRCh37 (hg19) VCF-style: chr2-242066536-C-T.
Other names: c.1794G>A, p.Lys598= (NM_001252119.2, NM_001252120.2, NM_001252124.2); c.1689G>A, p.Lys563= (NM_001252122.2).
Identifiers: ClinVar variation 2652109 (VCV002652109.24), dbSNP rs2531186026, ClinGen allele CA432237590.

ClinVar aggregate classification (germline): Likely benign (1 of 4 stars; one submission).

Submission:

CeGaT Center for Human Genetics Tuebingen
Classification: Likely benign. Last evaluated: 2023-10-01. Review status: criteria provided, single submitter. Criteria: CeGaT Center For Human Genetics Tuebingen Variant Classification Criteria Version 2. Collection method: clinical testing. Allele origin: germline. Affected: yes. Observed: 1 variant allele.
Comment: PASK: PM2:Supporting, BP4, BP7